The following is an entry in ClinVar:

NM_001178020.3(BEAN1):c.226C>A (p.Arg76Ser)

Genes: BEAN1 (brain expressed associated with NEDD4 1; plus strand), BEAN1-AS1 (BEAN1 antisense RNA 1; minus strand). Cytogenetic location: 16q21.
Variant type: single nucleotide variant.
Coding change: c.226C>A on transcript NM_001178020.3 (MANE Select); coding-DNA position 226, C replaced by A.
Protein change: p.Arg76Ser; replaces arginine 76 with serine.
Molecular consequence: missense variant. On other transcripts: non-coding transcript variant (1), 5 prime UTR variant (2).
Genome position (GRCh38, 1-based): chr16:66,469,802, C>A. VCF-style: chr16-66469802-C-A. GRCh37 (hg19) VCF-style: chr16-66503705-C-A.
Other names: c.-102C>A (NM_001136106.5, NM_001197224.4); short protein forms R76S.
Identifiers: ClinVar variation 2646598 (VCV002646598.25), dbSNP rs200706119, ClinGen allele CA8093397.
Genomic context (GRCh38, chr16:66,469,802, plus strand): 5'-GTGGGCAGCATCCGCAGGGACAGGCAGGCCCGGCTTCAGCGGCACCGCCACCGCCACCAC[C>A]GCCACCACCACCACCATCATCACCACCGCCGGCGTCGACACCGAGAGTACGAGCACGGCT-3'
Protein context (NP_001171491.1, residues 66-86): RLQRHRHRHH[Arg76Ser]HHHHHHHHRR

ClinVar aggregate classification (germline): Benign/Likely benign. Review status: criteria provided, multiple submitters, no conflicts (2 of 4 stars). 2 submissions from 2 submitters: Benign (1); Likely benign (1). Last evaluated 2025-12-01.

Allele frequency attached by ClinVar (database versions not stated): 1000 Genomes Project 0.00499; 1000 Genomes Project 30x 0.00578.
gnomAD v4.1: 15,450 of 1,535,802 alleles (1%); highest among the groups gnomAD compares: Non-Finnish European, 1.1%; 109 homozygotes.

Submissions (2):

CeGaT Center for Human Genetics Tuebingen
Classification: Benign. Last evaluated: 2025-12-01. Review status: criteria provided, single submitter. Criteria: CeGaT Center For Human Genetics Tuebingen Variant Classification Criteria Version 2. Collection method: clinical testing. Allele origin: germline. Affected: yes. Observed: 3 variant alleles.
Comment: BEAN1: BP4, BS1, BS2

Blueprint Genetics
Classification: Likely benign. Last evaluated: 2024-11-21. Review status: criteria provided, single submitter. Criteria: ACMG Guidelines, 2015. Collection method: clinical testing. Allele origin: germline.